The following is an entry in ClinVar:

ClinVar aggregate classification (germline): Conflicting classifications of pathogenicity. Review status: criteria provided, conflicting classifications (1 of 4 stars). 3 submissions from 3 submitters: Uncertain significance (2); Likely benign (1). Last evaluated 2025-10-18.

Conditions:
Arrhythmogenic cardiomyopathy with wooly hair and keratoderma. Also called: PALMOPLANTAR KERATODERMA WITH LEFT VENTRICULAR CARDIOMYOPATHY AND WOOLLY HAIR; Carvajal syndrome; Dilated cardiomyopathy with woolly hair and keratoderma; Arrhythmogenic cardiomyopathy with woolly hair and keratoderma. Identifiers: Orphanet 65282, MedGen C1854063, MONDO:0011581, OMIM 605676.
Arrhythmogenic right ventricular dysplasia 8 (ARVD8). Also called: ARRHYTHMOGENIC RIGHT VENTRICULAR DYSPLASIA, FAMILIAL, 8; Arrhythmogenic Right Ventricular Dysplasia/Cardiomyopathy 8; ARRHYTHMOGENIC RIGHT VENTRICULAR CARDIOMYOPATHY 8. Identifiers: MedGen C1843896, MONDO:0011831, OMIM 607450.
Cardiomyopathy (CMYO). Also called: Cardiomyopathies. Identifiers: Orphanet 167848, MedGen C0878544, MONDO:0004994, HP:0001638. Inheritance: Various modes of inheritance.

Allele frequency attached by ClinVar (database versions not stated): gnomAD exomes below 0.00001 and 0.00001.
gnomAD v4.1: 7 of 1,614,064 alleles (0.00043%); highest among the groups gnomAD compares: East Asian, 0.0022%; no homozygotes.

Submissions (3):

Labcorp Genetics (formerly Invitae), Labcorp
Classification: Likely benign for Arrhythmogenic cardiomyopathy with wooly hair and keratoderma; Arrhythmogenic right ventricular dysplasia 8. Last evaluated: 2025-10-18. Review status: criteria provided, single submitter. Criteria: Invitae Variant Classification Sherloc (09022015). Collection method: clinical testing. Allele origin: germline.

Color Diagnostics, LLC DBA Color Health
Classification: Uncertain significance for Cardiomyopathy. Last evaluated: 2024-03-06. Review status: criteria provided, single submitter. Criteria: ACMG Guidelines, 2015. Collection method: clinical testing. Allele origin: germline.
Comment: This missense variant replaces arginine with tryptophan at codon 572 of the DSP protein. Computational prediction is inconclusive regarding the impact of this variant on protein structure and function (internally defined REVEL score threshold 0.5 < inconclusive < 0.7, PMID: 27666373). To our knowledge, functional studies have not been reported for this variant. This variant has not been reported in individuals affected with DSP-related disorders in the literature. This variant has been identified in 2/251288 chromosomes in the general population by the Genome Aggregation Database (gnomAD). The available evidence is insufficient to determine the role of this variant in disease conclusively. Therefore, this variant is classified as a Variant of Uncertain Significance.

All of Us Research Program, National Institutes of Health
Classification: Uncertain significance for Arrhythmogenic cardiomyopathy with wooly hair and keratoderma. Last evaluated: 2024-02-22. Review status: criteria provided, single submitter. Criteria: ACMG Guidelines, 2015. Collection method: clinical testing. Allele origin: germline. Inheritance: Autosomal dominant inheritance. Observed: 2 variant alleles, 2 heterozygotes.
Comment: This missense variant replaces arginine with tryptophan at codon 572 of the DSP protein. Computational prediction is inconclusive regarding the impact of this variant on protein structure and function (internally defined REVEL score threshold 0.5 < inconclusive < 0.7, PMID: 27666373). To our knowledge, functional studies have not been reported for this variant. This variant has not been reported in individuals affected with DSP-related disorders in the literature. This variant has been identified in 2/251288 chromosomes in the general population by the Genome Aggregation Database (gnomAD). The available evidence is insufficient to determine the role of this variant in disease conclusively. Therefore, this variant is classified as a Variant of Uncertain Significance.

This study involves interpretation of variants in research participants for the purpose of population health screening. Participant phenotype was not available at the time of variant classification. Additional details can be found in publication PMID: 35346344, PMCID: PMC8962531

NM_004415.4(DSP):c.1714C>T (p.Arg572Trp)

Gene: DSP (desmoplakin; plus strand). Cytogenetic location: 6p24.3.
Variant type: single nucleotide variant.
Coding change: c.1714C>T on transcript NM_004415.4 (MANE Select); coding-DNA position 1714, C replaced by T.
Protein change: p.Arg572Trp; replaces arginine 572 with tryptophan.
Molecular consequence: missense variant.
Genome position (GRCh38, 1-based): chr6:7,571,395, C>T. VCF-style: chr6-7571395-C-T. GRCh37 (hg19) VCF-style: chr6-7571628-C-T.
Other names: c.1714C>T, p.Arg572Trp (NM_001008844.3, NM_001319034.2); short protein forms R572W.
Identifiers: ClinVar variation 928424 (VCV000928424.13), dbSNP rs796851273, ClinGen allele CA133959941.